The following is an entry in ClinVar:

NC_000007.13:g.(?_100410349)_(100424652_?)del

Gene: EPHB4 (EPH receptor B4; minus strand). Cytogenetic location: 7q22.1.
Variant type: Deletion.
Identifiers: ClinVar variation 2425116 (VCV002425116.4).

ClinVar aggregate classification (germline): Pathogenic (1 of 4 stars; one submission).

Submission:

Labcorp Genetics (formerly Invitae), Labcorp
Classification: Pathogenic. Last evaluated: 2022-10-07. Review status: criteria provided, single submitter. Criteria: Invitae Variant Classification Sherloc (09022015). Collection method: clinical testing. Allele origin: germline.
Comment: This variant is a gross deletion of the genomic region encompassing exon(s) 1-12 of the EPHB4 gene, which includes the initiator codon. This deletion extends beyond the assayed region for this gene and therefore may encompass additional genes. It is expected to result in an absent or disrupted protein product. Loss-of-function variants in EPHB4 are known to be pathogenic (PMID: 28687708). For these reasons, this variant has been classified as Pathogenic. This variant has not been reported in the literature in individuals affected with EPHB4-related conditions.

Literature cited by the submitters: PubMed 28687708.